The following is an entry in ClinVar:

ClinVar aggregate classification (germline): Likely benign (0 of 4 stars; one submission).

Conditions:
NCOR1-related disorder. Also called: NCOR1-related condition.

Allele frequency attached by ClinVar (database versions not stated): 1000 Genomes Project 30x 0.00031; 1000 Genomes Project 0.00040; gnomAD 0.00098; TOPMed 0.00101; ExAC 0.00119; gnomAD exomes 0.00141; ESP Exome Variant Server 0.00146.
gnomAD v4.1: 2,200 of 1,614,218 alleles (0.14%); highest among the groups gnomAD compares: Non-Finnish European, 0.17%; no homozygotes.

Submission:

PreventionGenetics, part of Exact Sciences
Classification: Likely benign for NCOR1-related condition. Last evaluated: 2022-04-06. Review status: no assertion criteria provided. Collection method: clinical testing. Allele origin: germline.
Comment: This variant is classified as likely benign based on ACMG/AMP sequence variant interpretation guidelines (Richards et al. 2015 PMID: 25741868, with internal and published modifications).

NM_006311.4(NCOR1):c.2366G>C (p.Ser789Thr)

Gene: NCOR1 (nuclear receptor corepressor 1; minus strand). Cytogenetic location: 17p11.2.
Variant type: single nucleotide variant.
Coding change: c.2366G>C on transcript NM_006311.4 (MANE Select); coding-DNA position 2366, G replaced by C.
Protein change: p.Ser789Thr; replaces serine 789 with threonine.
Molecular consequence: missense variant.
Genome position (GRCh38, 1-based): chr17:16,101,574, C>G on the plus strand (G>C on the coding strand, the complement: NCOR1 is on the minus strand). VCF-style: chr17-16101574-C-G. GRCh37 (hg19) VCF-style: chr17-16004888-C-G.
Other names: c.2087G>C, p.Ser696Thr (NM_001190438.2); c.2414G>C, p.Ser805Thr (NM_001190440.2); short protein forms S696T, S789T, S805T.
Identifiers: ClinVar variation 3055358 (VCV003055358.2), dbSNP rs61754982, ClinGen allele CA8409048.